The following is an entry in ClinVar:

ClinVar aggregate classification (germline): Uncertain significance (1 of 4 stars; one submission).

Submission:

Labcorp Genetics (formerly Invitae), Labcorp
Classification: Uncertain significance. Last evaluated: 2022-02-04. Review status: criteria provided, single submitter. Criteria: Invitae Variant Classification Sherloc (09022015). Collection method: clinical testing. Allele origin: germline.
Comment: Advanced modeling of protein sequence and biophysical properties (such as structural, functional, and spatial information, amino acid conservation, physicochemical variation, residue mobility, and thermodynamic stability) performed at Invitae indicates that this missense variant is not expected to disrupt COL2A1 protein function. In summary, the available evidence is currently insufficient to determine the role of this variant in disease. Therefore, it has been classified as a Variant of Uncertain Significance. This missense change has been observed in individual(s) with clinical features of COL2A1-related conditions (Invitae). This variant is not present in population databases (gnomAD no frequency). This sequence change replaces aspartic acid, which is acidic and polar, with glutamic acid, which is acidic and polar, at codon 1301 of the COL2A1 protein (p.Asp1301Glu).

NM_001844.5(COL2A1):c.3903C>A (p.Asp1301Glu)

Gene: COL2A1 (collagen type II alpha 1 chain; minus strand). Cytogenetic location: 12q13.11.
Variant type: single nucleotide variant.
Coding change: c.3903C>A on transcript NM_001844.5 (MANE Select); coding-DNA position 3903, C replaced by A.
Protein change: p.Asp1301Glu; replaces aspartic acid 1301 with glutamic acid.
Molecular consequence: missense variant.
Genome position (GRCh38, 1-based): chr12:47,974,846, G>T on the plus strand (C>A on the coding strand, the complement: COL2A1 is on the minus strand). VCF-style: chr12-47974846-G-T. GRCh37 (hg19) VCF-style: chr12-48368629-G-T.
Other names: c.3696C>A, p.Asp1232Glu (NM_033150.3); short protein forms D1301E, D1232E.
Identifiers: ClinVar variation 1487698 (VCV001487698.6), dbSNP rs2136508859, ClinGen allele CA384536154.